The following is an entry in ClinVar:

NC_000011.9:g.(?_76892406)_(76925741_?)del

Gene: MYO7A (myosin VIIA; plus strand). Cytogenetic location: 11q13.5.
Variant type: Deletion.
Identifiers: ClinVar variation 1452200 (VCV001452200.5).

ClinVar aggregate classification (germline): Pathogenic (1 of 4 stars; one submission).

Submission:

Labcorp Genetics (formerly Invitae), Labcorp
Classification: Pathogenic. Last evaluated: 2022-08-16. Review status: criteria provided, single submitter. Criteria: Invitae Variant Classification Sherloc (09022015). Collection method: clinical testing. Allele origin: germline.
Comment: A similar copy number variant has been observed in individual(s) with autosomal recessive Usher syndrome (Invitae). This variant is a gross deletion of the genomic region encompassing exon(s) 23-49 of the MYO7A gene, which includes the termination codon. This deletion extends beyond the assayed region for this gene and therefore may encompass additional genes. While this deletion is not anticipated to lead to nonsense mediated decay, it is expected to alter mRNA translation or result in a truncated protein product. This variant disrupts a region of the MYO7A protein in which other variant(s) (p.Arg1883Gln) have been determined to be pathogenic (PMID: 20844544, 21569298, 21873662, 22135276). This suggests that this is a clinically significant region of the protein, and that variants that disrupt it are likely to be disease-causing. For these reasons, this variant has been classified as Pathogenic.

Literature cited by the submitters: PubMed 20844544; PubMed 21569298; PubMed 21873662; PubMed 22135276.